The following is an entry in ClinVar:

ClinVar aggregate classification (germline): Uncertain significance (1 of 4 stars; one submission).

Conditions:
Charcot-Marie-Tooth disease axonal type 2O. Also called: Charcot-Marie-Tooth disease, axonal, type 20; CHARCOT-MARIE-TOOTH NEUROPATHY, AXONAL, TYPE 2O; CHARCOT-MARIE-TOOTH DISEASE, AXONAL, AUTOSOMAL DOMINANT, TYPE 2O; Charcot-Marie-Tooth Neuropathy Type 2O. Identifiers: Orphanet 284232, MedGen C3280220, MONDO:0013644, OMIM 614228.

Submission:

Labcorp Genetics (formerly Invitae), Labcorp
Classification: Uncertain significance for Charcot-Marie-Tooth disease axonal type 2O. Last evaluated: 2022-12-10. Review status: criteria provided, single submitter. Criteria: Invitae Variant Classification Sherloc (09022015). Collection method: clinical testing. Allele origin: germline.
Comment: In summary, the available evidence is currently insufficient to determine the role of this variant in disease. Therefore, it has been classified as a Variant of Uncertain Significance. Advanced modeling of protein sequence and biophysical properties (such as structural, functional, and spatial information, amino acid conservation, physicochemical variation, residue mobility, and thermodynamic stability) has been performed at Invitae for this missense variant, however the output from this modeling did not meet the statistical confidence thresholds required to predict the impact of this variant on DYNC1H1 protein function. This variant has not been reported in the literature in individuals affected with DYNC1H1-related conditions. This variant is not present in population databases (gnomAD no frequency). This sequence change replaces serine, which is neutral and polar, with phenylalanine, which is neutral and non-polar, at codon 863 of the DYNC1H1 protein (p.Ser863Phe).

NM_001376.5(DYNC1H1):c.2588C>T (p.Ser863Phe)

Gene: DYNC1H1 (dynein cytoplasmic 1 heavy chain 1; plus strand). Cytogenetic location: 14q32.31.
Variant type: single nucleotide variant.
Coding change: c.2588C>T on transcript NM_001376.5 (MANE Select); coding-DNA position 2588, C replaced by T.
Protein change: p.Ser863Phe; replaces serine 863 with phenylalanine.
Molecular consequence: missense variant.
Genome position (GRCh38, 1-based): chr14:101,987,502, C>T. VCF-style: chr14-101987502-C-T. GRCh37 (hg19) VCF-style: chr14-102453839-C-T.
Other names: short protein forms S863F.
Identifiers: ClinVar variation 2819839 (VCV002819839.3), dbSNP rs2047950008, ClinGen allele CA391026975.
Genomic context (GRCh38, chr14:101,987,502, plus strand): 5'-TCTTCCTTCAGGTGGATGATCTGCTGATCATTGAAGAAAAAATAGACCTAGAAGTCCGTT[C>T]CTTGGAAACTTGTATGTATGACCATAAGACATTCTCGGAAATCTTGAACAGAGTCCAGAA-3'
Protein context (NP_001367.2, residues 853-873): IEEKIDLEVR[Ser863Phe]LETCMYDHKT